The following is an entry in ClinVar:

ClinVar aggregate classification (germline): Pathogenic (1 of 4 stars; one submission).

Conditions:
Mucopolysaccharidosis type 6 (MPS6). Also called: N-ACETYLGALACTOSAMINE-4-SULFATASE DEFICIENCY; MPS VI; MPS 6; Maroteaux Lamy syndrome; ARSB DEFICIENCY; ARYLSULFATASE B DEFICIENCY. Identifiers: Orphanet 583, MedGen C0026709, MONDO:0009661, OMIM 253200.

Submission:

Laboratory of Diagnosis and Therapy of Lysosomal Disorders, University of Padova
Classification: Pathogenic for Mucopolysaccharidosis type 6. Last evaluated: 2018-01-01. Review status: criteria provided, single submitter. Criteria: ACMG Guidelines, 2015. Collection method: curation. Allele origin: germline. Affected: yes.
Comment: Frameshift variant (PVS1); Absent from GnomAD (PM2); In vitro functional studies supportive of a damaging effect on the gene product (demonstrated nonsense mediated RNA decay; PS3)

Literature cited by the submitters: PubMed 17643332; PubMed 18406185; PubMed 8144552; PubMed 25654180; PubMed 17458871; PubMed 30118150.

NC_000005.10:g.(78839427_78885583)_(78885828_78955294)del

Genes: ARSB (arylsulfatase B; minus strand), LOC123497917 (Sharpr-MPRA regulatory region 14877; plus strand), LOC129994124 (ATAC-STARR-seq lymphoblastoid active region 22720; plus strand), LOC129994125 (ATAC-STARR-seq lymphoblastoid silent region 16126; plus strand). Cytogenetic location: 5q14.1.
Variant type: Deletion.
Identifiers: ClinVar variation 559663 (VCV000559663.1).